The following is an entry in ClinVar:

ClinVar aggregate classification (germline): Uncertain significance. Review status: criteria provided, multiple submitters, no conflicts (2 of 4 stars). 2 submissions from 2 submitters: Uncertain significance (2). Last evaluated 2021-08-28.

Conditions:
Mucopolysaccharidosis, MPS-IV-A (MPS4A). Also called: Mucopolysaccharidosis type IV A; Mucopolysaccharidosis Type IVA; Morquio syndrome A, mild; MORQUIO SYNDROME A; MPS IVA; mucopolysaccharidosis type 4A. Identifiers: Orphanet 309297, Orphanet 582, MedGen C0086651, MONDO:0009659, OMIM 253000.

gnomAD v4.1: 2 of 1,613,430 alleles (0.00012%); highest among the groups gnomAD compares: Non-Finnish European, 0.00017%; no homozygotes.

Submissions (2):

Labcorp Genetics (formerly Invitae), Labcorp
Classification: Uncertain significance for Mucopolysaccharidosis, MPS-IV-A. Last evaluated: 2021-08-28. Review status: criteria provided, single submitter. Criteria: Invitae Variant Classification Sherloc (09022015). Collection method: clinical testing. Allele origin: germline.
Comment: This sequence change replaces leucine with valine at codon 395 of the GALNS protein (p.Leu395Val). The leucine residue is moderately conserved and there is a small physicochemical difference between leucine and valine. This variant is not present in population databases (ExAC no frequency). This missense change has been observed in individual(s) with GALNS-related conditions (PMID: 3129221, 9521421). Advanced modeling of protein sequence and biophysical properties (such as structural, functional, and spatial information, amino acid conservation, physicochemical variation, residue mobility, and thermodynamic stability) performed at Invitae indicates that this missense variant is not expected to disrupt GALNS protein function. This variant disrupts the p.Leu395 amino acid residue in GALNS. Other variant(s) that disrupt this residue have been observed in individuals with GALNS-related conditions (PMID: 9375852), which suggests that this may be a clinically significant amino acid residue. In summary, the available evidence is currently insufficient to determine the role of this variant in disease. Therefore, it has been classified as a Variant of Uncertain Significance.

Laboratory of Diagnosis and Therapy of Lysosomal Disorders, University of Padova
Classification: Uncertain significance for Mucopolysaccharidosis, MPS-IV-A. Last evaluated: 2021-02-01. Review status: criteria provided, single submitter. Criteria: ACMG Guidelines, 2015. Collection method: curation. Allele origin: germline. Affected: yes.
Comment: Absent from gnomAD v2.1.1 (PM2_moderate)

Literature cited by the submitters: PubMed 3129221 (cited by Labcorp Genetics (formerly Invitae), Labcorp); PubMed 9521421 (cited by Labcorp Genetics (formerly Invitae), Labcorp and Laboratory of Diagnosis and Therapy of Lysosomal Disorders, University of Padova); PubMed 9375852 (cited by Labcorp Genetics (formerly Invitae), Labcorp); PubMed 34387910 (cited by Laboratory of Diagnosis and Therapy of Lysosomal Disorders, University of Padova).

NM_000512.5(GALNS):c.1183C>G (p.Leu395Val)

Gene: GALNS (galactosamine (N-acetyl)-6-sulfatase; minus strand). Cytogenetic location: 16q24.3.
Variant type: single nucleotide variant.
Coding change: c.1183C>G on transcript NM_000512.5 (MANE Select); coding-DNA position 1183, C replaced by G.
Protein change: p.Leu395Val; replaces leucine 395 with valine.
Molecular consequence: missense variant.
Genome position (GRCh38, 1-based): chr16:88,824,826, G>C on the plus strand (C>G on the coding strand, the complement: GALNS is on the minus strand). VCF-style: chr16-88824826-G-C. GRCh37 (hg19) VCF-style: chr16-88891234-G-C.
Other names: c.628C>G, p.Leu210Val (NM_001323543.2); c.1201C>G, p.Leu401Val (NM_001323544.2); short protein forms L210V, L395V, L401V.
Identifiers: ClinVar variation 1048324 (VCV001048324.8), dbSNP rs767701478, ClinGen allele CA397097628.